The following is an entry in ClinVar:

ClinVar aggregate classification (germline): Likely benign. Review status: criteria provided, multiple submitters, no conflicts (2 of 4 stars). 2 submissions from 2 submitters: Likely benign (2). Last evaluated 2024-01-10.

Allele frequency attached by ClinVar (database versions not stated): gnomAD 0.00006; gnomAD exomes 0.00011; ESP Exome Variant Server 0.00043; ExAC 0.00050.

Submissions (2):

Blueprint Genetics
Classification: Likely benign. Last evaluated: 2024-01-10. Review status: criteria provided, single submitter. Criteria: ACMG Guidelines, 2015. Collection method: clinical testing. Allele origin: germline.

CeGaT Center for Human Genetics Tuebingen
Classification: Likely benign. Last evaluated: 2023-09-01. Review status: criteria provided, single submitter. Criteria: CeGaT Center For Human Genetics Tuebingen Variant Classification Criteria Version 2. Collection method: clinical testing. Allele origin: germline. Affected: yes. Observed: 2 variant alleles.
Comment: HYDIN: BP4, BP7

NM_001270974.2(HYDIN):c.6486C>T (p.Ser2162=)

Gene: HYDIN (HYDIN axonemal central pair apparatus protein; minus strand). Cytogenetic location: 16q22.2.
Variant type: single nucleotide variant.
Coding change: c.6486C>T on transcript NM_001270974.2 (MANE Select); coding-DNA position 6486, C replaced by T.
Protein change: p.Ser2162=; no amino-acid change (serine 2162 retained).
Molecular consequence: synonymous variant.
Genome position (GRCh38, 1-based): chr16:70,952,466, G>A on the plus strand (C>T on the coding strand, the complement: HYDIN is on the minus strand). VCF-style: chr16-70952466-G-A. GRCh37 (hg19) VCF-style: chr16-70986369-G-A.
Identifiers: ClinVar variation 2646758 (VCV002646758.25), dbSNP rs201229423, ClinGen allele CA8150273.
Genomic context (GRCh38, chr16:70,952,466, plus strand): 5'-AGCCCTGATTTGTACCTGTGGTGTTTCAGACTGGTGTGAGTGATGCTGCTTCTGTGACCC[G>A]GAGCCATGGCTGTCTGCCTTGCTTTTGGTGATCACCACGCTCCCACGAACACTCTTTCCA-3'
Protein context (NP_001257903.1, residues 2152-2172): ITKSKADSHG[Ser2162=]GSQKQHHSHQ